The following is an entry in ClinVar:

ClinVar aggregate classification (germline): Likely benign (1 of 4 stars; one submission).

Allele frequency attached by ClinVar (database versions not stated): ExAC 0.00002; TOPMed 0.00003; gnomAD 0.00004; gnomAD exomes 0.00004.
gnomAD v4.1: 62 of 1,613,868 alleles (0.0038%); highest among the groups gnomAD compares: Middle Eastern, 0.033%; no homozygotes.

Submission:

CeGaT Center for Human Genetics Tuebingen
Classification: Likely benign. Last evaluated: 2022-07-01. Review status: criteria provided, single submitter. Criteria: CeGaT Center For Human Genetics Tuebingen Variant Classification Criteria Version 2. Collection method: clinical testing. Allele origin: germline. Affected: yes. Observed: 1 variant allele.
Comment: TENM4: BP4, BP7

NM_001098816.3(TENM4):c.7686C>T (p.Ser2562=)

Gene: TENM4 (teneurin transmembrane protein 4; minus strand). Cytogenetic location: 11q14.1.
Variant type: single nucleotide variant.
Coding change: c.7686C>T on transcript NM_001098816.3 (MANE Select); coding-DNA position 7686, C replaced by T.
Protein change: p.Ser2562=; no amino-acid change (serine 2562 retained).
Molecular consequence: synonymous variant.
Genome position (GRCh38, 1-based): chr11:78,658,682, G>A on the plus strand (C>T on the coding strand, the complement: TENM4 is on the minus strand). VCF-style: chr11-78658682-G-A. GRCh37 (hg19) VCF-style: chr11-78369727-G-A.
Identifiers: ClinVar variation 2642206 (VCV002642206.24), dbSNP rs368080294, ClinGen allele CA6206175.